The following is an entry in ClinVar:

ClinVar aggregate classification (germline): Likely benign. Review status: criteria provided, multiple submitters, no conflicts (2 of 4 stars). 2 submissions from 2 submitters: Likely benign (2). Last evaluated 2024-08-06.

Conditions:
Cardiomyopathy (CMYO). Also called: Cardiomyopathies. Identifiers: Orphanet 167848, MedGen C0878544, MONDO:0004994, HP:0001638. Inheritance: Various modes of inheritance.
Hypertrophic cardiomyopathy. Also called: HYPERTROPHIC MYOCARDIOPATHY. Identifiers: Orphanet 217569, MedGen C0007194, MeSH D002312, MONDO:0005045, HP:0001639.

Allele frequency attached by ClinVar (database versions not stated): gnomAD exomes below 0.00001.
gnomAD v4.1: 7 of 1,614,244 alleles (0.00043%); highest among the groups gnomAD compares: Non-Finnish European, 0.00059%; no homozygotes.

Submissions (2):

All of Us Research Program, National Institutes of Health
Classification: Likely benign for Cardiomyopathy. Last evaluated: 2024-08-06. Review status: criteria provided, single submitter. Criteria: ACMG Guidelines, 2015. Collection method: clinical testing. Allele origin: germline. Inheritance: Autosomal dominant inheritance. Observed: 2 variant alleles, 2 heterozygotes.
Comment: This study involves interpretation of variants in research participants for the purpose of population health screening. Participant phenotype was not available at the time of variant classification. Additional details can be found in publication PMID: 35346344, PMCID: PMC8962531

Labcorp Genetics (formerly Invitae), Labcorp
Classification: Likely benign for Hypertrophic cardiomyopathy. Last evaluated: 2024-01-28. Review status: criteria provided, single submitter. Criteria: Invitae Variant Classification Sherloc (09022015). Collection method: clinical testing. Allele origin: germline.

NM_000257.4(MYH7):c.4954-12C>T

Genes: MHRT (myosin heavy chain associated RNA transcript; plus strand), MYH7 (myosin heavy chain 7; minus strand), LOC126861897 (BRD4-independent group 4 enhancer GRCh37_chr14:23884455-23885654; plus strand). Cytogenetic location: 14q11.2.
Variant type: single nucleotide variant.
Coding change: c.4954-12C>T on transcript NM_000257.4 (MANE Select); 12 bases into the intron before coding-DNA position 4954, C replaced by T.
Molecular consequence: intron variant.
Genome position (GRCh38, 1-based): chr14:23,415,844, G>A on the plus strand (C>T on the coding strand, the complement: MYH7 is on the minus strand). VCF-style: chr14-23415844-G-A. GRCh37 (hg19) VCF-style: chr14-23885053-G-A.
Other names: c.4954-12C>T (NM_001407004.1).
Identifiers: ClinVar variation 2827465 (VCV002827465.4), dbSNP rs1273743893, ClinGen allele CA613317700.
Genomic context (GRCh38, chr14:23,415,844, plus strand): 5'-TCAGGTCGTCGTTGGCACGGACTGCATCGTCCAGCTGAATCTGGGTGTCCTGAGGATCAG[G>A]AGAGTGGGCATGAGCAGGGAGCCAGCCTCGGTTCCCTTCACTAAAGGCACCTGTCAGAGG-3'